The following is an entry in ClinVar:

ClinVar aggregate classification (germline): Uncertain significance (1 of 4 stars; one submission).

Allele frequency attached by ClinVar (database versions not stated): ExAC 0.00001.

Submission:

Labcorp Genetics (formerly Invitae), Labcorp
Classification: Uncertain significance. Last evaluated: 2023-08-11. Review status: criteria provided, single submitter. Criteria: Invitae Variant Classification Sherloc (09022015). Collection method: clinical testing. Allele origin: germline.
Comment: In summary, the available evidence is currently insufficient to determine the role of this variant in disease. Therefore, it has been classified as a Variant of Uncertain Significance. Advanced modeling of protein sequence and biophysical properties (such as structural, functional, and spatial information, amino acid conservation, physicochemical variation, residue mobility, and thermodynamic stability) performed at Invitae indicates that this missense variant is not expected to disrupt TWNK protein function. This variant has not been reported in the literature in individuals affected with TWNK-related conditions. This variant is present in population databases (rs753170387, gnomAD 0.0009%). This sequence change replaces serine, which is neutral and polar, with arginine, which is basic and polar, at codon 254 of the TWNK protein (p.Ser254Arg).

NM_021830.5(TWNK):c.760A>C (p.Ser254Arg)

Gene: TWNK (twinkle mtDNA helicase; plus strand). Cytogenetic location: 10q24.31.
Variant type: single nucleotide variant.
Coding change: c.760A>C on transcript NM_021830.5 (MANE Select); coding-DNA position 760, A replaced by C.
Protein change: p.Ser254Arg; replaces serine 254 with arginine.
Molecular consequence: missense variant. On other transcripts: non-coding transcript variant (4), intron variant (3).
Genome position (GRCh38, 1-based): chr10:100,988,970, A>C. VCF-style: chr10-100988970-A-C. GRCh37 (hg19) VCF-style: chr10-102748727-A-C.
Other names: c.760A>C, p.Ser254Arg (NM_001163812.2); c.-119-674A>C (NM_001163814.2, NM_001163813.2); c.-57-736A>C (NM_001368275.1); short protein forms S254R.
Identifiers: ClinVar variation 2802983 (VCV002802983.3), dbSNP rs753170387, ClinGen allele CA5653116.